The following is an entry in ClinVar:

NM_000051.4(ATM):c.3403-16_3403-15insA

Gene: ATM (ATM serine/threonine kinase; plus strand). Cytogenetic location: 11q22.3.
Variant type: Insertion.
Coding change: c.3403-16_3403-15insA on transcript NM_000051.4 (MANE Select); 16 bases into the intron before coding-DNA position 3403 through 15 bases into the intron before coding-DNA position 3403, A inserted.
Molecular consequence: intron variant.
Genome position: GRCh38 VCF-style: chr11-108280979-T-TA. GRCh37 (hg19) VCF-style: chr11-108151706-T-TA.
Other names: c.3403-16_3403-15insA (NM_001351834.2).
Identifiers: ClinVar variation 554432 (VCV000554432.11), dbSNP rs569564716, ClinGen allele CA6265288.
Genomic context (GRCh38, chr11:108,280,979, plus strand): 5'-GTTCAGTTGGGATTTTATAATTGATTGTTAAACATTTACATTTTACATTACATTTTTTTT[T>TA]TAATTTCTTTTTAAGTCCCATAGTGCTGAGAACCCTGAAACTTTGGATGAAATTTATAAT-3'

ClinVar aggregate classification (germline): Benign/Likely benign. Review status: criteria provided, multiple submitters, no conflicts (2 of 4 stars). 6 submissions from 6 submitters: Benign (1); Likely benign (3). 2 of the submissions do not count toward it. Last evaluated 2025-03-04.

Conditions:
ATM-related cancer predisposition. Also called: ATM-related cancer susceptibility. Identifiers: MedGen CN377759, MONDO:0700270.
ATM-related disorder. Also called: ATM-related disorders; ATM-related condition.
Ataxia-telangiectasia syndrome (AT). Also called: Ataxia telangiectasia (A-T); Ataxia-telangiectasia, complementation group D; AT, COMPLEMENTATION GROUP C; ATAXIA-TELANGIECTASIA, COMPLEMENTATION GROUP A; ATAXIA-TELANGIECTASIA, FRESNO VARIANT; Ataxia-telangiectasia. Identifiers: Orphanet 100, MedGen C0004135, MONDO:0008840, OMIM 208900.

Allele frequency attached by ClinVar (database versions not stated): gnomAD 0.00016 and 0.00056; ESP Exome Variant Server 0.00032; gnomAD exomes 0.00056 and 0.00149; ExAC 0.00186; 1000 Genomes Project 0.00200; 1000 Genomes Project 30x 0.00250.

Submissions (6):

Center for Genomic Medicine, Rigshospitalet, Copenhagen University Hospital
Classification: Benign. Last evaluated: 2025-03-04. Review status: criteria provided, single submitter. Criteria: ACMG Guidelines, 2015. Collection method: clinical testing. Allele origin: germline.

Blueprint Genetics
Classification: Likely benign. Last evaluated: 2024-11-07. Review status: criteria provided, single submitter. Criteria: ACMG Guidelines, 2015. Collection method: clinical testing. Allele origin: germline.

Department of Pathology and Laboratory Medicine, Sinai Health System
Classification: Likely benign for ATM-related cancer predisposition. Last evaluated: 2023-12-05. Review status: criteria provided, single submitter. Criteria: ACMG Guidelines, 2015. Collection method: clinical testing. Allele origin: germline.

GeneDx
Classification: Likely benign. Last evaluated: 2019-08-16. Review status: criteria provided, single submitter. Criteria: GeneDx Variant Classification Process June 2021. Collection method: clinical testing. Allele origin: germline. Affected: yes.

PreventionGenetics, part of Exact Sciences
Classification: Benign for ATM-related condition. Last evaluated: 2019-03-27. Review status: no assertion criteria provided. Collection method: clinical testing. Allele origin: germline. Not counted in ClinVar's aggregate classification.
Comment: This variant is classified as benign based on ACMG/AMP sequence variant interpretation guidelines (Richards et al. 2015 PMID: 25741868, with internal and published modifications).

Counsyl
Classification: Likely benign for Ataxia-telangiectasia syndrome. Last evaluated: 2017-10-18. Review status: no assertion criteria provided. Collection method: clinical testing. Allele origin: unknown. Not counted in ClinVar's aggregate classification.